The following is an entry in ClinVar:

ClinVar aggregate classification (germline): Uncertain significance (1 of 4 stars; one submission).

Conditions:
Chromosome 2q32-q33 deletion syndrome (GLASS). Also called: 2q33.1 deletion syndrome; Glass syndrome. Identifiers: Orphanet 251019, MedGen C2676739, MONDO:0012864, OMIM 612313.

gnomAD v4.1: 1 of 1,614,024 alleles (0.000062%); highest among the groups gnomAD compares: Admixed American, 0.0017%; no homozygotes.

Submission:

Labcorp Genetics (formerly Invitae), Labcorp
Classification: Uncertain significance for Chromosome 2q32-q33 deletion syndrome. Last evaluated: 2024-02-07. Review status: criteria provided, single submitter. Criteria: Invitae Variant Classification Sherloc (09022015). Collection method: clinical testing. Allele origin: germline.
Comment: This sequence change replaces isoleucine, which is neutral and non-polar, with valine, which is neutral and non-polar, at codon 659 of the SATB2 protein (p.Ile659Val). This variant is not present in population databases (gnomAD no frequency). This variant has not been reported in the literature in individuals affected with SATB2-related conditions. Advanced modeling of protein sequence and biophysical properties (such as structural, functional, and spatial information, amino acid conservation, physicochemical variation, residue mobility, and thermodynamic stability) performed at Invitae indicates that this missense variant is not expected to disrupt SATB2 protein function with a negative predictive value of 80%. In summary, the available evidence is currently insufficient to determine the role of this variant in disease. Therefore, it has been classified as a Variant of Uncertain Significance.

NM_001172509.2(SATB2):c.1975A>G (p.Ile659Val)

Genes: SATB2 (SATB homeobox 2; minus strand), LOC126806462 (MED14-independent group 3 enhancer GRCh37_chr2:200136608-200137807; plus strand). Cytogenetic location: 2q33.1.
Variant type: single nucleotide variant.
Coding change: c.1975A>G on transcript NM_001172509.2 (MANE Select); coding-DNA position 1975, A replaced by G.
Protein change: p.Ile659Val; replaces isoleucine 659 with valine.
Molecular consequence: missense variant.
Genome position (GRCh38, 1-based): chr2:199,272,438, T>C on the plus strand (A>G on the coding strand, the complement: SATB2 is on the minus strand). VCF-style: chr2-199272438-T-C. GRCh37 (hg19) VCF-style: chr2-200137161-T-C.
Other names: c.1975A>G, p.Ile659Val (NM_001172517.1, NM_015265.4); short protein forms I659V.
Identifiers: ClinVar variation 3639382 (VCV003639382.2).